The following is an entry in ClinVar:

ClinVar aggregate classification (germline): Benign. Review status: criteria provided, single submitter (1 of 4 stars). 2 submissions from 2 submitters: Benign (1). 1 of the submissions does not count toward it. Last evaluated 2020-02-17.

Conditions:
Chronic obstructive pulmonary disease. Also called: Chronic pulmonary obstruction. Identifiers: MedGen C0024117, MeSH D029424, MONDO:0005002, OMIM 606963, HP:0006510.

Allele frequency attached by ClinVar (database versions not stated): TOPMed 0.52723; gnomAD 0.52969 and 0.52600; 1000 Genomes Project 0.51577; 1000 Genomes Project 30x 0.51640.
gnomAD v4.1: 79,725 of 151,860 alleles (52%); highest among the groups gnomAD compares: African/African-American, 60%; 20,944 homozygotes.

Submissions (2):

GeneDx
Classification: Benign. Last evaluated: 2020-02-17. Review status: criteria provided, single submitter. Criteria: GeneDx Variant Classification Process June 2021. Collection method: clinical testing. Allele origin: germline. Affected: yes.
Comment: This variant is associated with the following publications: (PMID: 30079747)

Pneumogenomics Laboratory, Instituto Nacional de Enfermedades Respiratorias Ismael Cosio Villegas
Classification: association for Chronic obstructive pulmonary disease. Last evaluated: 2020-02-03. Review status: no assertion criteria provided. Collection method: case-control. Allele origin: germline. Affected: yes. Not counted in ClinVar's aggregate classification.

NM_014883.4(FAM13A):c.606-24587G>A

Gene: FAM13A (family with sequence similarity 13 member A; minus strand). Cytogenetic location: 4q22.1.
Variant type: single nucleotide variant.
Coding change: c.606-24587G>A on transcript NM_014883.4 (MANE Select); 24587 bases into the intron before coding-DNA position 606, G replaced by A.
Molecular consequence: intron variant.
Genome position (GRCh38, 1-based): chr4:88,962,828, C>T on the plus strand (G>A on the coding strand, the complement: FAM13A is on the minus strand). VCF-style: chr4-88962828-C-T. GRCh37 (hg19) VCF-style: chr4-89883979-C-T.
Identifiers: ClinVar variation 1027618 (VCV001027618.3), dbSNP rs7671167, ClinGen allele CA11892744.